The following is an entry in ClinVar:

ClinVar aggregate classification (germline): Uncertain significance (1 of 4 stars; one submission).

Allele frequency attached by ClinVar (database versions not stated): gnomAD 0.00001; TOPMed 0.00002; ESP Exome Variant Server 0.00015.
gnomAD v4.1: 2 of 1,609,586 alleles (0.00012%); highest among the groups gnomAD compares: African/African-American, 0.0027%; no homozygotes.

Submission:

Labcorp Genetics (formerly Invitae), Labcorp
Classification: Uncertain significance. Last evaluated: 2023-09-07. Review status: criteria provided, single submitter. Criteria: Invitae Variant Classification Sherloc (09022015). Collection method: clinical testing. Allele origin: germline.
Comment: This sequence change replaces serine, which is neutral and polar, with proline, which is neutral and non-polar, at codon 2352 of the VPS13A protein (p.Ser2352Pro). This variant is present in population databases (rs376084063, gnomAD 0.007%). This variant has not been reported in the literature in individuals affected with VPS13A-related conditions. ClinVar contains an entry for this variant (Variation ID: 1906103). Advanced modeling of protein sequence and biophysical properties (such as structural, functional, and spatial information, amino acid conservation, physicochemical variation, residue mobility, and thermodynamic stability) performed at Invitae indicates that this missense variant is expected to disrupt VPS13A protein function. In summary, the available evidence is currently insufficient to determine the role of this variant in disease. Therefore, it has been classified as a Variant of Uncertain Significance.

NM_033305.3(VPS13A):c.7054T>C (p.Ser2352Pro)

Gene: VPS13A (vacuolar protein sorting 13 homolog A; plus strand). Cytogenetic location: 9q21.2.
Variant type: single nucleotide variant.
Coding change: c.7054T>C on transcript NM_033305.3 (MANE Select); coding-DNA position 7054, T replaced by C.
Protein change: p.Ser2352Pro; replaces serine 2352 with proline.
Molecular consequence: missense variant.
Genome position (GRCh38, 1-based): chr9:77,344,180, T>C. VCF-style: chr9-77344180-T-C. GRCh37 (hg19) VCF-style: chr9-79959096-T-C.
Other names: c.6937T>C, p.Ser2313Pro (NM_001018037.2); c.7054T>C, p.Ser2352Pro (NM_001018038.3, NM_015186.4); short protein forms S2313P, S2352P.
Identifiers: ClinVar variation 1906103 (VCV001906103.5), dbSNP rs376084063, ClinGen allele CA194388856.
Genomic context (GRCh38, chr9:77,344,180, plus strand): 5'-TATTTTTATAAACATATATAATGTATATTTTAGTGTATCCCCTTTTGGCCTGAGTATGCT[T>C]CTAGTAAACTTCTTATTCAAGTCGAAAGGAGTGAAGATCCTCCCAAAAGGATATATTTTA-3'
Protein context (NP_150648.2, residues 2342-2362): QCIPFWPEYA[Ser2352Pro]SKLLIQVERS